The following is an entry in ClinVar:

NM_001099403.2(PRDM8):c.488G>A (p.Arg163His)

Genes: PRDM8 (PR/SET domain 8; plus strand), LOC126807094 (CDK7 strongly-dependent group 2 enhancer GRCh37_chr4:81121978-81123177; plus strand). Cytogenetic location: 4q21.21.
Variant type: single nucleotide variant.
Coding change: c.488G>A on transcript NM_001099403.2 (MANE Select); coding-DNA position 488, G replaced by A.
Protein change: p.Arg163His; replaces arginine 163 with histidine.
Molecular consequence: missense variant.
Genome position (GRCh38, 1-based): chr4:80,201,950, G>A. VCF-style: chr4-80201950-G-A. GRCh37 (hg19) VCF-style: chr4-81123104-G-A.
Other names: c.488G>A, p.Arg163His (NM_020226.4); short protein forms R163H.
Identifiers: ClinVar variation 1345373 (VCV001345373.4), dbSNP rs1191039908, ClinGen allele CA357393983.

ClinVar aggregate classification (germline): Uncertain significance (1 of 4 stars; one submission).

Conditions:
Early-onset Lafora body disease. Also called: Epilepsy, progressive myoclonic, 10. Identifiers: Orphanet 324290, MedGen C4225258, MONDO:0014717, OMIM 616640.

Allele frequency attached by ClinVar (database versions not stated): gnomAD exomes below 0.00001 and 0.00001; TOPMed below 0.00001; gnomAD 0.00001.

Submission:

Labcorp Genetics (formerly Invitae), Labcorp
Classification: Uncertain significance for Early-onset Lafora body disease. Last evaluated: 2021-09-19. Review status: criteria provided, single submitter. Criteria: Invitae Variant Classification Sherloc (09022015). Collection method: clinical testing. Allele origin: germline.
Comment: In summary, the available evidence is currently insufficient to determine the role of this variant in disease. Therefore, it has been classified as a Variant of Uncertain Significance. Algorithms developed to predict the effect of missense changes on protein structure and function are either unavailable or do not agree on the potential impact of this missense change (SIFT: "Deleterious"; PolyPhen-2: "Probably Damaging"; Align-GVGD: "Class C0"). This variant has not been reported in the literature in individuals affected with PRDM8-related conditions. This variant is not present in population databases (ExAC no frequency). This sequence change replaces arginine with histidine at codon 163 of the PRDM8 protein (p.Arg163His). The arginine residue is highly conserved and there is a small physicochemical difference between arginine and histidine.